The following is an entry in ClinVar:

ClinVar aggregate classification (germline): Pathogenic (1 of 4 stars; one submission).

Conditions:
Hereditary cancer-predisposing syndrome. Also called: Neoplastic Syndromes, Hereditary; Tumor predisposition; Hereditary neoplastic syndrome; Hereditary Cancer Syndrome. Identifiers: Orphanet 140162, MedGen C0027672, MeSH D009386, MONDO:0015356.

Submission:

Ambry Genetics
Classification: Pathogenic for Hereditary cancer-predisposing syndrome. Last evaluated: 2023-12-28. Review status: criteria provided, single submitter. Criteria: Ambry Variant Classification Scheme 2023. Collection method: clinical testing. Allele origin: germline.
Comment: The p.Y956* pathogenic mutation (also known as c.2868C>A), located in coding exon 15 of the APC gene, results from a C to A substitution at nucleotide position 2868. This changes the amino acid from a tyrosine to a stop codon within coding exon 15. This alteration occurs at the 3' terminus of theAPC gene and is not expected to trigger nonsense-mediated mRNA decay. However, premature stop codons are typically deleterious in nature and a significant portion of the protein is affected (Ambry internal data). This variant is considered to be rare based on population cohorts in the Genome Aggregation Database (gnomAD). Based on the supporting evidence, this alteration is interpreted as a disease-causing mutation.

Literature cited by the submitters: PubMed 37965459.

NM_000038.6(APC):c.2868C>A (p.Tyr956Ter)

Gene: APC (APC regulator of Wnt signaling pathway; plus strand). Cytogenetic location: 5q22.2.
Variant type: single nucleotide variant.
Coding change: c.2868C>A on transcript NM_000038.6 (MANE Select); coding-DNA position 2868, C replaced by A.
Protein change: p.Tyr956Ter; replaces tyrosine 956 with a stop codon.
Molecular consequence: nonsense. On other transcripts: non-coding transcript variant (2).
Genome position (GRCh38, 1-based): chr5:112,838,462, C>A. VCF-style: chr5-112838462-C-A. GRCh37 (hg19) VCF-style: chr5-112174159-C-A.
Other names: c.2868C>A, p.Tyr956Ter (NM_001127510.3, NM_001354895.2, NM_001407450.1); c.2814C>A, p.Tyr938Ter (NM_001127511.3); c.2922C>A, p.Tyr974Ter (NM_001354896.2, NM_001407447.1, NM_001407448.1 and 1 more transcripts); c.2898C>A, p.Tyr966Ter (NM_001354897.2); c.2793C>A, p.Tyr931Ter (NM_001354898.2); c.2784C>A, p.Tyr928Ter (NM_001354899.2); c.2745C>A, p.Tyr915Ter (NM_001354900.2); c.2691C>A, p.Tyr897Ter (NM_001354901.2, NM_001407453.1); and 11 more; short protein forms Y572*, Y673*, Y796*, Y827*, Y830*, Y855*, Y865*, Y873*.
Identifiers: ClinVar variation 3226657 (VCV003226657.1), dbSNP rs2149879114, ClinGen allele CA16027587.